The following is an entry in ClinVar:

ClinVar aggregate classification (germline): Conflicting classifications of pathogenicity. Review status: criteria provided, conflicting classifications (1 of 4 stars). 2 submissions from 2 submitters: Uncertain significance (1); Likely benign (1). Last evaluated 2022-05-08.

Allele frequency attached by ClinVar (database versions not stated): gnomAD exomes 0.00003; ExAC 0.00007; ESP Exome Variant Server 0.00008; gnomAD 0.00008; TOPMed 0.00010.
gnomAD v4.1: 59 of 1,613,652 alleles (0.0037%); highest among the groups gnomAD compares: African/African-American, 0.015%; no homozygotes.

Submissions (2):

Labcorp Genetics (formerly Invitae), Labcorp
Classification: Uncertain significance. Last evaluated: 2022-05-08. Review status: criteria provided, single submitter. Criteria: Invitae Variant Classification Sherloc (09022015). Collection method: clinical testing. Allele origin: germline.
Comment: This sequence change replaces valine, which is neutral and non-polar, with methionine, which is neutral and non-polar, at codon 391 of the CREB3L1 protein (p.Val391Met). This variant is present in population databases (rs376498466, gnomAD 0.04%). This variant has not been reported in the literature in individuals affected with CREB3L1-related conditions. Algorithms developed to predict the effect of missense changes on protein structure and function output the following: SIFT: "Tolerated"; PolyPhen-2: "Benign"; Align-GVGD: "Class C0". The methionine amino acid residue is found in multiple mammalian species, which suggests that this missense change does not adversely affect protein function. In summary, the available evidence is currently insufficient to determine the role of this variant in disease. Therefore, it has been classified as a Variant of Uncertain Significance.

Blueprint Genetics
Classification: Likely benign. Last evaluated: 2022-03-01. Review status: criteria provided, single submitter. Criteria: ACMG Guidelines, 2015. Collection method: clinical testing. Allele origin: germline.

NM_052854.4(CREB3L1):c.1171G>A (p.Val391Met)

Gene: CREB3L1 (cAMP responsive element binding protein 3 like 1; plus strand). Cytogenetic location: 11p11.2.
Variant type: single nucleotide variant.
Coding change: c.1171G>A on transcript NM_052854.4 (MANE Select); coding-DNA position 1171, G replaced by A.
Protein change: p.Val391Met; replaces valine 391 with methionine.
Molecular consequence: missense variant.
Genome position (GRCh38, 1-based): chr11:46,317,400, G>A. VCF-style: chr11-46317400-G-A. GRCh37 (hg19) VCF-style: chr11-46338951-G-A.
Other names: short protein forms V391M.
Identifiers: ClinVar variation 2420996 (VCV002420996.4), dbSNP rs376498466, ClinGen allele CA5961800.